The following is an entry in ClinVar:

ClinVar aggregate classification (germline): Uncertain significance (1 of 4 stars; one submission).

gnomAD v4.1: 4 of 1,614,154 alleles (0.00025%); highest among the groups gnomAD compares: Non-Finnish European, 0.00034%; no homozygotes.

Submission:

Labcorp Genetics (formerly Invitae), Labcorp
Classification: Uncertain significance. Last evaluated: 2026-02-01. Review status: criteria provided, single submitter. Criteria: Invitae Variant Classification Sherloc (09022015). Collection method: clinical testing. Allele origin: germline.
Comment: This sequence change replaces glycine, which is neutral and non-polar, with glutamic acid, which is acidic and polar, at codon 472 of the ELP1 protein (p.Gly472Glu). This variant is not present in population databases (gnomAD no frequency). This variant has not been reported in the literature in individuals affected with ELP1-related conditions. An algorithm developed to predict the effect of missense changes on protein structure and function (PolyPhen-2) suggests that this variant is likely to be tolerated. In summary, the available evidence is currently insufficient to determine the role of this variant in disease. Therefore, it has been classified as a Variant of Uncertain Significance.

NM_003640.5(ELP1):c.1415G>A (p.Gly472Glu)

Gene: ELP1 (elongator acetyltransferase complex subunit 1; minus strand). Cytogenetic location: 9q31.3.
Variant type: single nucleotide variant.
Coding change: c.1415G>A on transcript NM_003640.5 (MANE Select); coding-DNA position 1415, G replaced by A.
Protein change: p.Gly472Glu; replaces glycine 472 with glutamic acid.
Molecular consequence: missense variant.
Genome position (GRCh38, 1-based): chr9:108,908,350, C>T on the plus strand (G>A on the coding strand, the complement: ELP1 is on the minus strand). VCF-style: chr9-108908350-C-T. GRCh37 (hg19) VCF-style: chr9-111670630-C-T.
Other names: c.1073G>A, p.Gly358Glu (NM_001318360.2); c.368G>A, p.Gly123Glu (NM_001330749.2); short protein forms G123E, G358E, G472E.
Identifiers: ClinVar variation 4752671 (VCV004752671.1).